The following is an entry in ClinVar:

NM_005732.4(RAD50):c.257T>G (p.Phe86Cys)

Gene: RAD50 (RAD50 double strand break repair protein; plus strand). Cytogenetic location: 5q31.1.
Variant type: single nucleotide variant.
Coding change: c.257T>G on transcript NM_005732.4 (MANE Select); coding-DNA position 257, T replaced by G.
Protein change: p.Phe86Cys; replaces phenylalanine 86 with cysteine.
Molecular consequence: missense variant.
Genome position (GRCh38, 1-based): chr5:132,575,820, T>G. VCF-style: chr5-132575820-T-G. GRCh37 (hg19) VCF-style: chr5-131911512-T-G.
Other names: short protein forms F86C.
Identifiers: ClinVar variation 408387 (VCV000408387.17), dbSNP rs767424884, ClinGen allele CA3404947.

ClinVar aggregate classification (germline): Uncertain significance. Review status: criteria provided, multiple submitters, no conflicts (2 of 4 stars). 3 submissions from 3 submitters: Uncertain significance (3). Last evaluated 2025-07-12.

Conditions:
Hereditary cancer-predisposing syndrome. Also called: Hereditary Cancer Syndrome; Hereditary neoplastic syndrome; Neoplastic Syndromes, Hereditary; Tumor predisposition. Identifiers: Orphanet 140162, MedGen C0027672, MeSH D009386, MONDO:0015356.

Allele frequency attached by ClinVar (database versions not stated): gnomAD exomes below 0.00001; ExAC 0.00001; TOPMed 0.00001; gnomAD 0.00002.
gnomAD v4.1: 5 of 1,602,134 alleles (0.00031%); highest among the groups gnomAD compares: African/African-American, 0.004%; no homozygotes.

Submissions (3):

Quest Diagnostics Nichols Institute San Juan Capistrano
Classification: Uncertain significance. Last evaluated: 2025-07-12. Review status: criteria provided, single submitter. Criteria: Quest Diagnostics criteria. Collection method: clinical testing. Allele origin: unknown.
Comment: The RAD50 c.257T>G (p.Phe86Cys) variant has been reported in the published literature in a myeloid neoplasms cohort (PMID: 31911633 (2020)). The frequency of this variant in the general population (Genome Aggregation Database) is uninformative in the assessment of its pathogenicity. Analysis of this variant using bioinformatics tools for the prediction of the effect of amino acid changes on protein structure and function yielded conflicting predictions that this variant is benign or damaging. Based on the available information, we are unable to determine the clinical significance of this variant.

Labcorp Genetics (formerly Invitae), Labcorp
Classification: Uncertain significance for Hereditary cancer-predisposing syndrome. Last evaluated: 2025-05-12. Review status: criteria provided, single submitter. Criteria: Invitae Variant Classification Sherloc (09022015). Collection method: clinical testing. Allele origin: germline.
Comment: This sequence change replaces phenylalanine, which is neutral and non-polar, with cysteine, which is neutral and slightly polar, at codon 86 of the RAD50 protein (p.Phe86Cys). This variant is present in population databases (rs767424884, gnomAD 0.008%). This variant has not been reported in the literature in individuals affected with RAD50-related conditions. ClinVar contains an entry for this variant (Variation ID: 408387). Invitae Evidence Modeling of protein sequence and biophysical properties (such as structural, functional, and spatial information, amino acid conservation, physicochemical variation, residue mobility, and thermodynamic stability) indicates that this missense variant is expected to disrupt RAD50 protein function with a positive predictive value of 80%. In summary, the available evidence is currently insufficient to determine the role of this variant in disease. Therefore, it has been classified as a Variant of Uncertain Significance.

Ambry Genetics
Classification: Uncertain significance for Hereditary cancer-predisposing syndrome. Last evaluated: 2025-04-29. Review status: criteria provided, single submitter. Criteria: Ambry Variant Classification Scheme 2023. Collection method: clinical testing. Allele origin: germline.
Comment: The p.F86C variant (also known as c.257T>G), located in coding exon 3 of the RAD50 gene, results from a T to G substitution at nucleotide position 257. The phenylalanine at codon 86 is replaced by cysteine, an amino acid with highly dissimilar properties. This amino acid position is highly conserved in available vertebrate species. In addition, the in silico prediction for this alteration is inconclusive. Since supporting evidence is limited at this time, the clinical significance of this alteration remains unclear.

Literature cited by the submitters: PubMed 31911633 (cited by Quest Diagnostics Nichols Institute San Juan Capistrano).